The following is an entry in ClinVar:

NM_015702.3(MMADHC):c.10-1G>A

Gene: MMADHC (metabolism of cobalamin associated D; minus strand). Cytogenetic location: 2q23.2.
Variant type: single nucleotide variant.
Coding change: c.10-1G>A on transcript NM_015702.3 (MANE Select); the canonical splice acceptor site of the intron before coding-DNA position 10, G replaced by A.
Molecular consequence: splice acceptor variant.
Genome position (GRCh38, 1-based): chr2:149,582,272, C>T on the plus strand (G>A on the coding strand, the complement: MMADHC is on the minus strand). VCF-style: chr2-149582272-C-T. GRCh37 (hg19) VCF-style: chr2-150438786-C-T.
Other names: c.10-1G>A (NM_015702.2).
Identifiers: ClinVar variation 2849488 (VCV002849488.4), dbSNP rs1573880177, ClinGen allele CA348871263.

ClinVar aggregate classification (germline): Pathogenic/Likely pathogenic. Review status: criteria provided, multiple submitters, no conflicts (2 of 4 stars). 2 submissions from 2 submitters: Pathogenic (1); Likely pathogenic (1). Last evaluated 2025-10-30.

Conditions:
Methylmalonic aciduria and homocystinuria type cblD (MAHCD). Also called: Methylmalonic aciduria with homocystinuria cblD type; METHYLMALONIC ACIDEMIA, cblH TYPE. Identifiers: Orphanet 622, Orphanet 79283, MedGen C1848552, MONDO:0010185, OMIM 277410.

Submissions (2):

Natera, Inc.
Classification: Pathogenic for Methylmalonic aciduria with homocystinuria cblD type. Last evaluated: 2025-10-30. Review status: criteria provided, single submitter. Criteria: Natera Variant Classification Schema (03/2026). Collection method: clinical testing. Allele origin: germline.
Comment: The c.10-1G>A variant in MMADHC is a canonical splice acceptor site variant predicted to affect pre-mRNA splicing, which may result in an abnormal transcript and altered protein product. This variant is expected to result in nonsense mediated decay, truncation, or a dysfunctional protein product. This variant is rare in the general population with a frequency below the threshold expected for the associated phenotype(s). Another variant at this same site results in an alteration predicted to cause a similar molecular effect has been observed in individual(s) with the associated phenotype. Given the available evidence, this variant is classified as Pathogenic.

Labcorp Genetics (formerly Invitae), Labcorp
Classification: Likely pathogenic for Methylmalonic aciduria and homocystinuria type cblD. Last evaluated: 2023-04-06. Review status: criteria provided, single submitter. Criteria: Invitae Variant Classification Sherloc (09022015). Collection method: clinical testing. Allele origin: germline.
Comment: In summary, the currently available evidence indicates that the variant is pathogenic, but additional data are needed to prove that conclusively. Therefore, this variant has been classified as Likely Pathogenic. Algorithms developed to predict the effect of sequence changes on RNA splicing suggest that this variant may disrupt the consensus splice site. This variant has not been reported in the literature in individuals affected with MMADHC-related conditions. This variant is not present in population databases (gnomAD no frequency). This sequence change affects an acceptor splice site in intron 2 of the MMADHC gene. It is expected to disrupt RNA splicing. Variants that disrupt the donor or acceptor splice site typically lead to a loss of protein function (PMID: 16199547), and loss-of-function variants in MMADHC are known to be pathogenic (PMID: 18385497).

Literature cited by the submitters: PubMed 16199547 (cited by Labcorp Genetics (formerly Invitae), Labcorp); PubMed 18385497 (cited by Labcorp Genetics (formerly Invitae), Labcorp).